The following is an entry in ClinVar:

ClinVar aggregate classification (germline): Benign/Likely benign. Review status: criteria provided, multiple submitters, no conflicts (2 of 4 stars). 4 submissions from 4 submitters: Benign (1); Likely benign (3). Last evaluated 2024-12-09.

Conditions:
Familial adenomatous polyposis 1 (FAP1). Also called: POLYPOSIS, ADENOMATOUS INTESTINAL; FAMILIAL ADENOMATOUS POLYPOSIS 1, ATTENUATED. Identifiers: MedGen C2713442, MONDO:0021056, OMIM 175100. Disease mechanism: loss of function.
Hereditary cancer-predisposing syndrome. Also called: Hereditary Cancer Syndrome; Neoplastic Syndromes, Hereditary; Tumor predisposition; Hereditary neoplastic syndrome. Identifiers: Orphanet 140162, MedGen C0027672, MeSH D009386, MONDO:0015356.

gnomAD v4.1: 7 of 1,613,146 alleles (0.00043%); highest among the groups gnomAD compares: South Asian, 0.0077%; no homozygotes.

Submissions (4):

Labcorp Genetics (formerly Invitae), Labcorp
Classification: Likely benign for Familial adenomatous polyposis 1. Last evaluated: 2024-12-09. Review status: criteria provided, single submitter. Criteria: Invitae Variant Classification Sherloc (09022015). Collection method: clinical testing. Allele origin: germline.

Myriad Genetics, Inc.
Classification: Benign for Familial adenomatous polyposis 1. Last evaluated: 2024-02-26. Review status: criteria provided, single submitter. Criteria: Myriad Autosomal Dominant, Autosomal Recessive and X-Linked Classification Criteria (2023). Collection method: clinical testing. Allele origin: unknown.
Comment: This variant is considered benign. This variant is a silent/synonymous amino acid change and it is not expected to impact splicing.

Ambry Genetics
Classification: Likely benign for Hereditary cancer-predisposing syndrome. Last evaluated: 2023-08-30. Review status: criteria provided, single submitter. Criteria: Ambry Variant Classification Scheme 2023. Collection method: clinical testing. Allele origin: germline.

Color Diagnostics, LLC DBA Color Health
Classification: Likely benign for Hereditary cancer-predisposing syndrome. Last evaluated: 2017-02-15. Review status: criteria provided, single submitter. Criteria: ACMG Guidelines, 2015. Collection method: clinical testing. Allele origin: germline.

NM_000038.6(APC):c.771T>G (p.Ala257=)

Gene: APC (APC regulator of Wnt signaling pathway; plus strand). Cytogenetic location: 5q22.2.
Variant type: single nucleotide variant.
Coding change: c.771T>G on transcript NM_000038.6 (MANE Select); coding-DNA position 771, T replaced by G.
Protein change: p.Ala257=; no amino-acid change (alanine 257 retained).
Molecular consequence: synonymous variant. On other transcripts: 5 prime UTR variant (1).
Genome position (GRCh38, 1-based): chr5:112,801,320, T>G. VCF-style: chr5-112801320-T-G. GRCh37 (hg19) VCF-style: chr5-112137017-T-G.
Other names: c.771T>G, p.Ala257= (NM_001127510.3, NM_001354895.2, NM_001354896.2 and 1 more transcripts); c.717T>G, p.Ala239= (NM_001127511.3); c.801T>G, p.Ala267= (NM_001354897.2, NM_001354902.2); c.696T>G, p.Ala232= (NM_001354898.2, NM_001354904.2); c.687T>G, p.Ala229= (NM_001354899.2); c.594T>G, p.Ala198= (NM_001354900.2, NM_001354901.2, NM_001354905.2); c.-265T>G (NM_001354906.2).
Identifiers: ClinVar variation 490363 (VCV000490363.11), dbSNP rs1554076169, ClinGen allele CA445755626.